The following is an entry in ClinVar:

ClinVar aggregate classification (germline): Benign/Likely benign. Review status: criteria provided, multiple submitters, no conflicts (2 of 4 stars). 3 submissions from 3 submitters: Benign (1); Likely benign (2). Last evaluated 2025-03-14.

Conditions:
Pheochromocytoma/paraganglioma syndrome 3. Also called: GLOMUS TUMORS, FAMILIAL, 3; Paragangliomas 3; SDHC-Related Hereditary Paraganglioma-Pheochromocytoma Syndrome (Paragangliomas 3); SDHC-Related Hereditary Paraganglioma-Pheochromocytoma Syndrome. Identifiers: Orphanet 29072, MedGen C1854336, MONDO:0011544, OMIM 605373.
Hereditary cancer-predisposing syndrome. Also called: Neoplastic Syndromes, Hereditary; Hereditary Cancer Syndrome; Hereditary neoplastic syndrome; Tumor predisposition. Identifiers: Orphanet 140162, MedGen C0027672, MeSH D009386, MONDO:0015356.
Gastrointestinal stromal tumor. Also called: Gastrointestinal stroma tumor; Gastrointestinal stromal tumor, somatic. Identifiers: Orphanet 44890, MedGen C0238198, MeSH D046152, MONDO:0011719, OMIM 606764, HP:0100723.

Allele frequency attached by ClinVar (database versions not stated): gnomAD exomes below 0.00001; ExAC 0.00001; gnomAD 0.00001.
gnomAD v4.1: 7 of 1,613,916 alleles (0.00043%); highest among the groups gnomAD compares: Non-Finnish European, 0.00051%; no homozygotes.

Submissions (3):

Myriad Genetics, Inc.
Classification: Benign for Pheochromocytoma/paraganglioma syndrome 3. Last evaluated: 2025-03-14. Review status: criteria provided, single submitter. Criteria: Myriad Autosomal Dominant, Autosomal Recessive and X-Linked Classification Criteria (2023). Collection method: clinical testing. Allele origin: unknown.
Comment: This variant is considered benign. This variant is a silent/synonymous amino acid change and it is not expected to impact splicing.

Labcorp Genetics (formerly Invitae), Labcorp
Classification: Likely benign for Pheochromocytoma/paraganglioma syndrome 3; Gastrointestinal stromal tumor. Last evaluated: 2024-09-05. Review status: criteria provided, single submitter. Criteria: Invitae Variant Classification Sherloc (09022015). Collection method: clinical testing. Allele origin: germline.

Ambry Genetics
Classification: Likely benign for Hereditary cancer-predisposing syndrome. Last evaluated: 2021-11-22. Review status: criteria provided, single submitter. Criteria: Ambry Variant Classification Scheme 2023. Collection method: clinical testing. Allele origin: germline.

NM_003001.5(SDHC):c.309G>A (p.Val103=)

Gene: SDHC (succinate dehydrogenase complex subunit C; plus strand). Cytogenetic location: 1q23.3.
Variant type: single nucleotide variant.
Coding change: c.309G>A on transcript NM_003001.5 (MANE Select); coding-DNA position 309, G replaced by A.
Protein change: p.Val103=; no amino-acid change (valine 103 retained).
Molecular consequence: synonymous variant. On other transcripts: non-coding transcript variant (1), intron variant (3).
Genome position (GRCh38, 1-based): chr1:161,356,744, G>A. VCF-style: chr1-161356744-G-A. GRCh37 (hg19) VCF-style: chr1-161326534-G-A.
Other names: c.207G>A, p.Val69= (NM_001035512.3); c.150G>A, p.Val50= (NM_001035513.3); c.429G>A, p.Val143= (NM_001407115.1); c.252G>A, p.Val84= (NM_001407116.1); c.246G>A, p.Val82= (NM_001407117.1); c.201G>A, p.Val67= (NM_001407118.1); c.198G>A, p.Val66= (NM_001407119.1, NM_001407120.1); c.242-5585G>A (NM_001035511.3); and 2 more.
Identifiers: ClinVar variation 414248 (VCV000414248.15), dbSNP rs768273090, ClinGen allele CA047128.